The following is an entry in ClinVar:

NM_020791.4(TAOK1):c.737A>G (p.Gln246Arg)

Gene: TAOK1 (TAO kinase 1; plus strand). Cytogenetic location: 17q11.2.
Variant type: single nucleotide variant.
Coding change: c.737A>G on transcript NM_020791.4 (MANE Select); coding-DNA position 737, A replaced by G.
Protein change: p.Gln246Arg; replaces glutamine 246 with arginine.
Molecular consequence: missense variant.
Genome position (GRCh38, 1-based): chr17:29,489,745, A>G. VCF-style: chr17-29489745-A-G. GRCh37 (hg19) VCF-style: chr17-27816763-A-G.
Other names: c.737A>G, p.Gln246Arg (NM_025142.1); short protein forms Q246R.
Identifiers: ClinVar variation 4179954 (VCV004179954.2).

ClinVar aggregate classification (germline): Uncertain significance (1 of 4 stars; one submission).

Conditions:
Inborn genetic diseases. Identifiers: MedGen C0950123, MeSH D030342.

Submission:

Ambry Genetics
Classification: Uncertain significance for Inborn genetic diseases. Last evaluated: 2025-10-09. Review status: criteria provided, single submitter. Criteria: Ambry Variant Classification Scheme 2023. Collection method: clinical testing. Allele origin: germline.
Comment: The c.737A>G (p.Q246R) alteration is located in exon 9 (coding exon 8) of the TAOK1 gene. This alteration results from an A to G substitution at nucleotide position 737, causing the glutamine (Q) at amino acid position 246 to be replaced by an arginine (R). This variant was not reported in population-based cohorts in the Genome Aggregation Database (gnomAD). This amino acid position is well conserved in available vertebrate species. This missense alteration is located in a region that has a low rate of benign missense variation (Lek, 2016; Firth, 2009). The in silico prediction for this alteration is inconclusive. Based on insufficient or conflicting evidence, the clinical significance of this alteration remains unclear.